The following is an entry in ClinVar:

NM_001134363.3(RBM20):c.2737G>A (p.Glu913Lys)

Gene: RBM20 (RNA binding motif protein 20; plus strand). Cytogenetic location: 10q25.2.
Variant type: single nucleotide variant.
Coding change: c.2737G>A on transcript NM_001134363.3 (MANE Select); coding-DNA position 2737, G replaced by A.
Protein change: p.Glu913Lys; replaces glutamic acid 913 with lysine.
Molecular consequence: missense variant.
Genome position (GRCh38, 1-based): chr10:110,821,356, G>A. VCF-style: chr10-110821356-G-A. GRCh37 (hg19) VCF-style: chr10-112581114-G-A.
Other names: p.E913K:GAG>AAG; short protein forms E913K.
Identifiers: ClinVar variation 43998 (VCV000043998.28), dbSNP rs397516607, ClinGen allele CA133338.

ClinVar aggregate classification (germline): Pathogenic/Likely pathogenic. Review status: criteria provided, multiple submitters, no conflicts (2 of 4 stars). 10 submissions from 10 submitters: Pathogenic (7); Likely pathogenic (3). Last evaluated 2026-02-03.

Conditions:
RBM20-related disorder. Also called: RBM20-related condition.
Cardiovascular phenotype. Identifiers: MedGen CN230736.
Cardiomyopathy (CMYO). Also called: Cardiomyopathies. Identifiers: Orphanet 167848, MedGen C0878544, MONDO:0004994, HP:0001638. Inheritance: Various modes of inheritance.
Primary dilated cardiomyopathy (DCM). Also called: Dilated Cardiomyopathy. Identifiers: Orphanet 217604, MedGen C0007193, MeSH D002311, MONDO:0005021, HP:0001644. Inheritance: Various modes of inheritance.
Dilated cardiomyopathy 1DD (CMD1DD). Identifiers: Orphanet 154, MedGen C2750995, MONDO:0013168, OMIM 613172.
Left ventricular noncompaction cardiomyopathy. Also called: left ventricular non-compaction cardiomyopathy. Identifiers: MedGen C4021133, HP:0011664.

Submissions (10):

Labcorp Genetics (formerly Invitae), Labcorp
Classification: Pathogenic for Dilated cardiomyopathy 1DD. Last evaluated: 2026-02-03. Review status: criteria provided, single submitter. Criteria: Invitae Variant Classification Sherloc (09022015). Collection method: clinical testing. Allele origin: germline.
Comment: This sequence change replaces glutamic acid, which is acidic and polar, with lysine, which is basic and polar, at codon 913 of the RBM20 protein (p.Glu913Lys). This variant is not present in population databases (gnomAD no frequency). This missense change has been observed in individuals with dilated cardiomyopathy (DCM) (PMID: 24503780, 27496873; internal data). It has also been observed to segregate with disease in related individuals. ClinVar contains an entry for this variant (Variation ID: 43998). Invitae Evidence Modeling of protein sequence and biophysical properties (such as structural, functional, and spatial information, amino acid conservation, physicochemical variation, residue mobility, and thermodynamic stability) indicates that this missense variant is not expected to disrupt RBM20 protein function with a negative predictive value of 95%. Experimental studies have shown that this missense change affects RBM20 function (PMID: 27496873). For these reasons, this variant has been classified as Pathogenic.

GeneDx
Classification: Pathogenic. Last evaluated: 2025-06-18. Review status: criteria provided, single submitter. Criteria: GeneDx Variant Classification Process June 2021. Collection method: clinical testing. Allele origin: germline. Affected: yes.
Comment: Published functional studies demonstrate that E913K results in reduced RBM20 protein expression, which alters titin splicing in the heart (PMID: 27496873, 27531932); Not observed at significant frequency in large population cohorts (gnomAD); In silico analysis suggests that this missense variant does not alter protein structure/function; This variant is associated with the following publications: (PMID: 27531932, 24503780, 27532257, 29304022, 28941705, 30050558, 30871348, 30871351, 37652022, 27496873, 34540771, 35288587, 33019804, 35113650, 32840935, 38473809, 29447731)

Ambry Genetics
Classification: Pathogenic for Cardiovascular phenotype. Last evaluated: 2024-10-25. Review status: criteria provided, single submitter. Criteria: Ambry Variant Classification Scheme 2023. Collection method: clinical testing. Allele origin: germline.
Comment: The p.E913K pathogenic mutation (also known as c.2737G>A), located in coding exon 11 of the RBM20 gene, results from a G to A substitution at nucleotide position 2737. The glutamic acid at codon 913 is replaced by lysine, an amino acid with similar properties. This variant was identified in one or more individuals with features consistent with dilated cardiomyopathy (DCM) and segregated with disease in at least one family (Beqqali A et al. Cardiovasc Res, 2016 10;112:452-63; Walsh R et al. Genet Med, 2017 02;19:192-203; external communication). This variant is considered to be rare based on population cohorts in the Genome Aggregation Database (gnomAD). In addition, this alteration is predicted to be deleterious by in silico analysis. Based on the supporting evidence, this variant is interpreted as a disease-causing mutation.

Blueprint Genetics
Classification: Pathogenic for RBM20-related disorders. Last evaluated: 2024-04-04. Review status: criteria provided, single submitter. Criteria: ACMG Guidelines, 2015. Collection method: clinical testing. Allele origin: germline. Affected: yes. Observed: 1 variant allele.

Molecular Genetics, Royal Melbourne Hospital
Classification: Pathogenic for Primary dilated cardiomyopathy. Last evaluated: 2023-07-07. Review status: criteria provided, single submitter. Criteria: ACMG Guidelines, 2015. Collection method: clinical testing. Allele origin: germline. Inheritance: Autosomal dominant inheritance. Affected: yes.
Comment: This sequence change in RBM20 is predicted to replace glutamic acid with lysine at codon 913, p.(Glu913Lys). The glutamic acid residue is highly conserved (100 vertebrates, UCSC), and is located in a glutamic acid-rich region (PMID: 27496873). There is a small physicochemical difference between glutamic acid and lysine. This variant is absent from the population database gnomAD v2.1 and v3.1. This variant has been reported in multiple individuals with RBM20-related cardiomyopathy, including dilated cardiomyopathy (DCM), noncompaction cardiomyopathy, or left ventricular noncompaction cardiomyopathy (PMID: 27532257, 29447731, 34540771, 35113650; ClinVar: SCV000924914.1, SCV000060629.7, SCV000768943.6). The variant has been reported to segregate with DCM over three generations in a single family (PMID: 27496873). At least one individual with this variant displayed downregulation of RBM20 protein in heart tissue compared to controls and TTN RNA mis-splicing causing a significant shift from the less compliant toward the highly compliant TTN isoforms (PMID: 27496873). Reduced RBM20 protein expression was also demonstrated in an in vitro cell line assay indicating that this variant impacts protein function (PMID: 27496873). Computational evidence is uninformative for the missense substitution (REVEL = 0.54). Based on the classification scheme RMH Modified ACMG/AMP Guidelines v1.6.1, this variant is classified as PATHOGENIC. Following criteria are met: PP1_Strong, PS4_Moderate, PP4_Moderate, PM2_Supporting, PS3_Supporting.

Laboratory for Molecular Medicine, Mass General Brigham Personalized Medicine
Classification: Likely pathogenic for Primary dilated cardiomyopathy. Last evaluated: 2021-12-06. Review status: criteria provided, single submitter. Criteria: ACMG Guidelines, 2015. Collection method: clinical testing. Allele origin: germline. Inheritance: Autosomal dominant inheritance.
Comment: The p.Glu913Lys variant in RBM20 has been reported in 3 individuals with dilated cardiomyopathy (DCM) and segregated with disease in at least 9 affected relatives from 2 families (Beqqali 2016 PMID 27496873, Walsh 2017 PMID 27532257, van den Hoogenhof 2018 PMID 29650543, Hey 2019 PMID 30871348, Parikh 2019 PMID 30871351, LMM Data). This variant has also been reported by other clinical laboratories in ClinVar (Variant ID: 43998) but is absent from large population studies. RNA sequencing and RT-PCR performed on heart tissue from a patient harboring this variant as well as in vitro studies using transfected cells suggest that this variant affects RBM20 protein function (Beqqali 2016 PMID 27496873, Khan 2016 PMID 27531932, van den Hoogenhof 2018 PMID 29650543). Computational prediction tools and conservation analysis suggest are consistent with pathogenicity. In summary, although additional studies are required to fully establish its clinical significance, this variant meets criteria to be classified as likely pathogenic for autosomal dominant DCM. ACMG/AMP criteria applied: PS4_Supporting, PP1_Strong, PM2_Supporting, PS3_Moderate, PP3.

Victorian Clinical Genetics Services, Murdoch Childrens Research Institute
Classification: Pathogenic for Dilated cardiomyopathy 1DD. Last evaluated: 2021-05-06. Review status: criteria provided, single submitter. Criteria: ACMG Guidelines, 2015. Collection method: clinical testing. Allele origin: germline. Inheritance: Autosomal dominant inheritance. Affected: yes.
Comment: Based on the classification scheme VCGS_Germline_v1.3.4, this variant is classified as Pathogenic. Following criteria are met: 0102 - Loss of function is a known mechanism of disease in this gene and is associated with dilated cardiomyopathy, 1DD (MIM#613172). While some publications suggest a dominant negative mechanism for variants in the hotspot affecting residues between 630 and 640 (PMID: 32187365, PMID: 29895960), this has been recently disproven (PMID: 32840935). (I) 0107 - This gene is associated with autosomal dominant disease. (I) 0200 - Variant is predicted to result in a missense amino acid change from glutamic acid to lysine. (I) 0251 - This variant is heterozygous. (I) 0301 - Variant is absent from gnomAD (both v2 and v3). (SP) 0502 - Missense variant with conflicting in silico predictions and uninformative conservation. (I) 0600 - Variant is located in the annotated glutamic acid-rich region (PMID: 30547036, PDB). (I) 0705 - No comparable missense variants have previous evidence for pathogenicity. (I) 0801 - This variant has strong previous evidence of pathogenicity in unrelated individuals. This variant has been previously reported as pathogenic in at least five unrelated individuals with dilated cardiomyopathy (DCM) (ClinVar, PMID: 27496873, PMID: 30547036). (SP) 0901 - This variant has strong evidence for segregation with disease. This variant has been shown to segregate in at least one family with eight affected individuals with DCM (PMID: 27496873). (SP) 1001 - This variant has strong functional evidence supporting abnormal protein function. Studies with both an affected individual’s heart cells and cell lines have showed that this variant strongly decreases protein levels. In addition, it alters TTN gene splicing and protein isoform composition, leading to an increase in the larger titin isoform (PMID: 27496873). (SP) 1208 - Inheritance information for this variant is not currently available in this individual. (I)

CHEO Genetics Diagnostic Laboratory, Children's Hospital of Eastern Ontario
Classification: Likely pathogenic for Cardiomyopathy. Last evaluated: 2017-10-23. Review status: criteria provided, single submitter. Criteria: ACMG Guidelines, 2015. Collection method: clinical testing. Allele origin: germline. Study: Canadian Open Genetics Repository.

Stanford Center for Inherited Cardiovascular Disease, Stanford University
Classification: Likely pathogenic. Last evaluated: 2017-06-09. Review status: criteria provided, single submitter. Criteria: ACMG Guidelines, 2015. Collection method: provider interpretation. Allele origin: germline.

Klaassen Lab, Charite University Medicine Berlin
Classification: Pathogenic for Left ventricular noncompaction cardiomyopathy. Review status: criteria provided, single submitter. Criteria: ACMG Guidelines, 2015. Collection method: research. Allele origin: germline. Affected: yes.

Literature cited by the submitters: PubMed 24503780 (cited by Labcorp Genetics (formerly Invitae), Labcorp and Ambry Genetics); PubMed 27496873 (cited by 5 submitters); PubMed 27531932 (cited by Ambry Genetics and Laboratory for Molecular Medicine, Mass General Brigham Personalized Medicine); PubMed 27532257 (cited by 3 submitters); PubMed 29650543 (cited by Ambry Genetics and Laboratory for Molecular Medicine, Mass General Brigham Personalized Medicine); PubMed 30871348 (cited by Ambry Genetics and Laboratory for Molecular Medicine, Mass General Brigham Personalized Medicine); PubMed 32840935 (cited by Ambry Genetics and Victorian Clinical Genetics Services, Murdoch Childrens Research Institute); PubMed 33134301 (cited by Ambry Genetics); PubMed 29447731 (cited by Molecular Genetics, Royal Melbourne Hospital); PubMed 34540771 (cited by Molecular Genetics, Royal Melbourne Hospital and Klaassen Lab, Charite University Medicine Berlin); PubMed 35113650 (cited by Molecular Genetics, Royal Melbourne Hospital); PubMed 30871351 (cited by Laboratory for Molecular Medicine, Mass General Brigham Personalized Medicine); PubMed 29895960 (cited by Victorian Clinical Genetics Services, Murdoch Childrens Research Institute); PubMed 30547036 (cited by Victorian Clinical Genetics Services, Murdoch Childrens Research Institute); PubMed 32187365 (cited by Victorian Clinical Genetics Services, Murdoch Childrens Research Institute).